The following is an entry in ClinVar:

ClinVar aggregate classification (germline): Conflicting classifications of pathogenicity. Review status: criteria provided, conflicting classifications (1 of 4 stars). 3 submissions from 3 submitters: Uncertain significance (1); Likely benign (2). Last evaluated 2026-04-09.

Conditions:
MECOM-related disorder. Also called: MECOM-related condition.
Inborn genetic diseases. Identifiers: MedGen C0950123, MeSH D030342.

Allele frequency attached by ClinVar (database versions not stated): TOPMed below 0.00001; gnomAD 0.00003; gnomAD exomes 0.00007; ExAC 0.00015; 1000 Genomes Project 30x 0.00031; 1000 Genomes Project 0.00040.
gnomAD v4.1: 109 of 1,614,080 alleles (0.0068%); highest among the groups gnomAD compares: South Asian, 0.12%; 1 homozygote.

Submissions (3):

PreventionGenetics, part of Exact Sciences
Classification: Likely benign for MECOM-related condition. Last evaluated: 2026-04-09. Review status: criteria provided, single submitter. Criteria: ACMG Guidelines, 2015. Collection method: clinical testing. Allele origin: germline.
Comment: This variant is classified as likely benign based on ACMG/AMP sequence variant interpretation guidelines (Richards et al. 2015 PMID: 25741868, with internal and published modifications).

Labcorp Genetics (formerly Invitae), Labcorp
Classification: Likely benign. Last evaluated: 2025-12-30. Review status: criteria provided, single submitter. Criteria: Invitae Variant Classification Sherloc (09022015). Collection method: clinical testing. Allele origin: germline.

Ambry Genetics
Classification: Uncertain significance for Inborn genetic diseases. Last evaluated: 2025-01-08. Review status: criteria provided, single submitter. Criteria: Ambry Variant Classification Scheme 2023. Collection method: clinical testing. Allele origin: germline.
Comment: The p.Q576K variant (also known as c.1726C>A), located in coding exon 8 of the MECOM gene, results from a C to A substitution at nucleotide position 1726. The glutamine at codon 576 is replaced by lysine, an amino acid with similar properties. This amino acid position is conserved. In addition, this alteration is predicted to be tolerated by in silico analysis. Based on the available evidence, the clinical significance of this variant remains unclear.

NM_004991.4(MECOM):c.1726C>A (p.Gln576Lys)

Gene: MECOM (MDS1 and EVI1 complex locus; minus strand). Cytogenetic location: 3q26.2.
Variant type: single nucleotide variant.
Coding change: c.1726C>A on transcript NM_004991.4 (MANE Select); coding-DNA position 1726, C replaced by A.
Protein change: p.Gln576Lys; replaces glutamine 576 with lysine.
Molecular consequence: missense variant. On other transcripts: intron variant (2).
Genome position (GRCh38, 1-based): chr3:169,116,146, G>T on the plus strand (C>A on the coding strand, the complement: MECOM is on the minus strand). VCF-style: chr3-169116146-G-T. GRCh37 (hg19) VCF-style: chr3-168833934-G-T.
Other names: c.1357C>A, p.Gln453Lys (NM_001105077.4); c.1162C>A, p.Gln388Lys (NM_001105078.4, NM_001164000.2, NM_001205194.2 and 4 more transcripts); c.1165C>A, p.Gln389Lys (NM_001163999.2, NM_001366467.2, NM_001366468.2 and 1 more transcripts); c.1726C>A, p.Gln576Lys (NM_001366466.2); c.1133-379C>A (NM_001366473.2); c.569-379C>A (NM_001366474.2); c.1726C>A (NM_004991.3); short protein forms Q453K, Q576K, Q388K, Q389K.
Identifiers: ClinVar variation 2892047 (VCV002892047.5), dbSNP rs560838174, ClinGen allele CA2696296.